The following is an entry in ClinVar:

NM_006282.5(STK4):c.349C>T (p.Arg117Ter)

Gene: STK4 (serine/threonine kinase 4; plus strand). Cytogenetic location: 20q13.12.
Variant type: single nucleotide variant.
Coding change: c.349C>T on transcript NM_006282.5 (MANE Select); coding-DNA position 349, C replaced by T.
Protein change: p.Arg117Ter; replaces arginine 117 with a stop codon.
Molecular consequence: nonsense.
Genome position (GRCh38, 1-based): chr20:44,981,932, C>T. VCF-style: chr20-44981932-C-T. GRCh37 (hg19) VCF-style: chr20-43610573-C-T.
Other names: c.349C>T, p.Arg117Ter (NM_001352385.2); c.349C>T (NM_006282.3); short protein forms R117*.
Identifiers: ClinVar variation 37323 (VCV000037323.7), dbSNP rs387907316, ClinGen allele CA130168.

ClinVar aggregate classification (germline): Pathogenic. Review status: criteria provided, multiple submitters, no conflicts (2 of 4 stars). 4 submissions from 4 submitters: Pathogenic (3). 1 of the submissions does not count toward it. Last evaluated 2023-08-28.

Conditions:
Inherited Immunodeficiency Diseases. Identifiers: MedGen C5197805, MeSH D000081207.
Combined immunodeficiency due to STK4 deficiency (IMD110). Also called: STK4 DEFICIENCY; MST1 DEFICIENCY; T-cell immunodeficiency, recurrent infections, and autoimmunity with or without cardiac malformations. Identifiers: Orphanet 314689, MedGen C3553943, MONDO:0013934, OMIM 614868.
STK4-related disorder. Also called: STK4-related condition.

Allele frequency attached by ClinVar (database versions not stated): gnomAD exomes below 0.00001 and 0.00001; gnomAD 0.00001.
gnomAD v4.1: 13 of 1,610,402 alleles (0.00081%); highest among the groups gnomAD compares: Non-Finnish European, 0.00093%; no homozygotes.

Submissions (4):

PreventionGenetics, part of Exact Sciences
Classification: Pathogenic for STK4-related condition. Last evaluated: 2023-08-28. Review status: criteria provided, single submitter. Criteria: ACMG Guidelines, 2015. Collection method: clinical testing. Allele origin: germline.
Comment: The STK4 c.349C>T variant is predicted to result in premature protein termination (p.Arg117*). This variant in the homozygous condition was reported in individuals with primary immunodeficiency (see example: Table S1, Thaventhiran. 2020. PubMed ID: 32499645; Table S2, Turro. 2020. PubMed ID: 32581362). This variant is reported in 0.0040% of alleles in individuals of European (Finnish) descent in gnomAD. Nonsense variants in STK4 are expected to be pathogenic. This variant is interpreted as pathogenic.

Labcorp Genetics (formerly Invitae), Labcorp
Classification: Pathogenic for Combined immunodeficiency due to STK4 deficiency. Last evaluated: 2021-08-27. Review status: criteria provided, single submitter. Criteria: Invitae Variant Classification Sherloc (09022015). Collection method: clinical testing. Allele origin: germline.

NIHR Bioresource Rare Diseases, University of Cambridge
Classification: Pathogenic for Inherited Immunodeficiency Diseases. Last evaluated: 2019-01-01. Review status: criteria provided, single submitter. Criteria: ACMG Guidelines, 2015. Collection method: research. Allele origin: germline. Affected: yes. Observed: 1 homozygote.

OMIM
Classification: Pathogenic for IMMUNODEFICIENCY 110 WITH LYMPHOPROLIFERATION. Last evaluated: 2012-04-12. Review status: no assertion criteria provided. Collection method: literature only. Allele origin: germline. Not counted in ClinVar's aggregate classification.

Literature cited by the submitters: PubMed 22174160 (cited by OMIM).